The following is an entry in ClinVar:

NM_177438.3(DICER1):c.1934C>T (p.Pro645Leu)

Gene: DICER1 (dicer 1, ribonuclease III; minus strand). Cytogenetic location: 14q32.13.
Variant type: single nucleotide variant.
Coding change: c.1934C>T on transcript NM_177438.3 (MANE Select); coding-DNA position 1934, C replaced by T.
Protein change: p.Pro645Leu; replaces proline 645 with leucine.
Molecular consequence: missense variant.
Genome position (GRCh38, 1-based): chr14:95,113,198, G>A on the plus strand (C>T on the coding strand, the complement: DICER1 is on the minus strand). VCF-style: chr14-95113198-G-A. GRCh37 (hg19) VCF-style: chr14-95579535-G-A.
Other names: c.1934C>T, p.Pro645Leu (NM_001195573.1, NM_001271282.3, NM_001291628.2 and 1 more transcripts); short protein forms P645L.
Identifiers: ClinVar variation 412186 (VCV000412186.17), dbSNP rs781253567, ClinGen allele CA7331357.
Genomic context (GRCh38, chr14:95,113,198, plus strand): 5'-GAATAAAATGTACCATCAGGCAACTCTCGGGTTCTGCATTTAGGAGCTAGATGAGTAAAC[G>A]GATCACTTGGTAATCTAGCACAGTATCTGTGAAGAAAAAGAAATTCTGAGGCTGAATCTA-3'
Protein context (NP_803187.1, residues 635-655): NRYCARLPSD[Pro645Leu]FTHLAPKCRT

ClinVar aggregate classification (germline): Uncertain significance. Review status: criteria provided, multiple submitters, no conflicts (2 of 4 stars). 2 submissions from 2 submitters: Uncertain significance (2). Last evaluated 2025-07-29.

Conditions:
Hereditary cancer-predisposing syndrome. Also called: Hereditary neoplastic syndrome; Neoplastic Syndromes, Hereditary; Tumor predisposition; Hereditary Cancer Syndrome. Identifiers: Orphanet 140162, MedGen C0027672, MeSH D009386, MONDO:0015356.
DICER1-related tumor predisposition. Also called: DICER1-related pleuropulmonary blastoma cancer predisposition syndrome; DICER1 syndrome. Identifiers: Orphanet 284343, MedGen C3839822, MONDO:0100216.

Allele frequency attached by ClinVar (database versions not stated): gnomAD exomes below 0.00001; TOPMed below 0.00001; ExAC 0.00001; gnomAD 0.00001.
gnomAD v4.1: 4 of 1,613,600 alleles (0.00025%); highest among the groups gnomAD compares: East Asian, 0.0022%; no homozygotes.

Submissions (2):

Labcorp Genetics (formerly Invitae), Labcorp
Classification: Uncertain significance for DICER1-related tumor predisposition. Last evaluated: 2025-07-29. Review status: criteria provided, single submitter. Criteria: Invitae Variant Classification Sherloc (09022015). Collection method: clinical testing. Allele origin: germline.
Comment: This sequence change replaces proline, which is neutral and non-polar, with leucine, which is neutral and non-polar, at codon 645 of the DICER1 protein (p.Pro645Leu). This variant is present in population databases (rs781253567, gnomAD 0.0009%). This variant has not been reported in the literature in individuals affected with DICER1-related conditions. ClinVar contains an entry for this variant (Variation ID: 412186). Invitae Evidence Modeling of protein sequence and biophysical properties (such as structural, functional, and spatial information, amino acid conservation, physicochemical variation, residue mobility, and thermodynamic stability) indicates that this missense variant is not expected to disrupt DICER1 protein function with a negative predictive value of 95%. In summary, the available evidence is currently insufficient to determine the role of this variant in disease. Therefore, it has been classified as a Variant of Uncertain Significance.

Ambry Genetics
Classification: Uncertain significance for Hereditary cancer-predisposing syndrome. Last evaluated: 2024-02-01. Review status: criteria provided, single submitter. Criteria: Ambry Variant Classification Scheme 2023. Collection method: clinical testing. Allele origin: germline.
Comment: The p.P645L variant (also known as c.1934C>T), located in coding exon 11 of the DICER1 gene, results from a C to T substitution at nucleotide position 1934. The proline at codon 645 is replaced by leucine, an amino acid with similar properties. This amino acid position is highly conserved in available vertebrate species. In addition, the in silico prediction for this alteration is inconclusive. Based on the available evidence, the clinical significance of this alteration remains unclear.